The following is an entry in ClinVar:

NM_012213.3(MLYCD):c.76C>T (p.Arg26Trp)

Genes: MLYCD (malonyl-CoA decarboxylase; plus strand), LOC130059554 (ATAC-STARR-seq lymphoblastoid silent region 7769; plus strand). Cytogenetic location: 16q23.3.
Variant type: single nucleotide variant.
Coding change: c.76C>T on transcript NM_012213.3 (MANE Select); coding-DNA position 76, C replaced by T.
Protein change: p.Arg26Trp; replaces arginine 26 with tryptophan.
Molecular consequence: missense variant.
Genome position (GRCh38, 1-based): chr16:83,899,220, C>T. VCF-style: chr16-83899220-C-T. GRCh37 (hg19) VCF-style: chr16-83932825-C-T.
Other names: short protein forms R26W.
Identifiers: ClinVar variation 2127049 (VCV002127049.1), dbSNP rs866575585, ClinGen allele CA396917592.

ClinVar aggregate classification (germline): Uncertain significance (1 of 4 stars; one submission).

Conditions:
Deficiency of malonyl-CoA decarboxylase. Also called: Malonic aciduria; MCD deficiency. Identifiers: Orphanet 943, MedGen C0342793, MONDO:0009556, OMIM 248360.

gnomAD v4.1: 3 of 1,223,990 alleles (0.00025%); highest among the groups gnomAD compares: Non-Finnish European, 0.0003%; no homozygotes.

Submission:

Labcorp Genetics (formerly Invitae), Labcorp
Classification: Uncertain significance for Deficiency of malonyl-CoA decarboxylase. Last evaluated: 2022-04-26. Review status: criteria provided, single submitter. Criteria: Invitae Variant Classification Sherloc (09022015). Collection method: clinical testing. Allele origin: germline.
Comment: This sequence change replaces arginine, which is basic and polar, with tryptophan, which is neutral and slightly polar, at codon 26 of the MLYCD protein (p.Arg26Trp). This variant is not present in population databases (gnomAD no frequency). This variant has not been reported in the literature in individuals affected with MLYCD-related conditions. Algorithms developed to predict the effect of missense changes on protein structure and function (SIFT, PolyPhen-2, Align-GVGD) all suggest that this variant is likely to be tolerated. In summary, the available evidence is currently insufficient to determine the role of this variant in disease. Therefore, it has been classified as a Variant of Uncertain Significance.